The following is an entry in ClinVar:

ClinVar aggregate classification (germline): Uncertain significance. Review status: criteria provided, multiple submitters, no conflicts (2 of 4 stars). 2 submissions from 2 submitters: Uncertain significance (2). Last evaluated 2025-09-05.

Allele frequency attached by ClinVar (database versions not stated): gnomAD exomes below 0.00001; TOPMed 0.00001; gnomAD 0.00003.
gnomAD v4.1: 9 of 1,614,088 alleles (0.00056%); highest among the groups gnomAD compares: African/African-American, 0.0027%; no homozygotes.

Submissions (2):

Ambry Genetics
Classification: Uncertain significance. Last evaluated: 2025-09-05. Review status: criteria provided, single submitter. Criteria: Ambry Variant Classification Scheme 2023. Collection method: clinical testing. Allele origin: germline.

Labcorp Genetics (formerly Invitae), Labcorp
Classification: Uncertain significance. Last evaluated: 2021-08-02. Review status: criteria provided, single submitter. Criteria: Invitae Variant Classification Sherloc (09022015). Collection method: clinical testing. Allele origin: germline.
Comment: This sequence change replaces arginine with glycine at codon 401 of the CLCC1 protein (p.Arg401Gly). The arginine residue is moderately conserved and there is a moderate physicochemical difference between arginine and glycine. This variant is not present in population databases (ExAC no frequency). This variant has not been reported in the literature in individuals affected with CLCC1-related conditions. Algorithms developed to predict the effect of missense changes on protein structure and function (SIFT, PolyPhen-2, Align-GVGD) all suggest that this variant is likely to be tolerated. In summary, the available evidence is currently insufficient to determine the role of this variant in disease. Therefore, it has been classified as a Variant of Uncertain Significance.

NM_001377458.1(CLCC1):c.1201A>G (p.Arg401Gly)

Gene: CLCC1 (chloride channel CLIC like 1; minus strand). Cytogenetic location: 1p13.3.
Variant type: single nucleotide variant.
Coding change: c.1201A>G on transcript NM_001377458.1 (MANE Select); coding-DNA position 1201, A replaced by G.
Protein change: p.Arg401Gly; replaces arginine 401 with glycine.
Molecular consequence: missense variant. On other transcripts: non-coding transcript variant (1).
Genome position (GRCh38, 1-based): chr1:108,937,259, T>C on the plus strand (A>G on the coding strand, the complement: CLCC1 is on the minus strand). VCF-style: chr1-108937259-T-C. GRCh37 (hg19) VCF-style: chr1-109479881-T-C.
Other names: c.1201A>G (NM_001048210.1); c.1201A>G, p.Arg401Gly (NM_001048210.3, NM_001377459.1, NM_001377460.1 and 8 more transcripts); c.838A>G, p.Arg280Gly (NM_001278202.2); c.646A>G, p.Arg216Gly (NM_001278203.1); c.1099A>G, p.Arg367Gly (NM_001377469.1); c.910A>G, p.Arg304Gly (NM_001377470.1); c.1051A>G, p.Arg351Gly (NM_015127.5); short protein forms R216G, R304G, R280G, R351G, R367G, R401G.
Identifiers: ClinVar variation 1469423 (VCV001469423.7), dbSNP rs1327065562, ClinGen allele CA341457754.